The following is an entry in ClinVar:

NM_206933.4(USH2A):c.7234G>A (p.Val2412Met)

Gene: USH2A (usherin; minus strand). Cytogenetic location: 1q41.
Variant type: single nucleotide variant.
Coding change: c.7234G>A on transcript NM_206933.4 (MANE Select); coding-DNA position 7234, G replaced by A.
Protein change: p.Val2412Met; replaces valine 2412 with methionine.
Molecular consequence: missense variant.
Genome position (GRCh38, 1-based): chr1:215,934,682, C>T on the plus strand (G>A on the coding strand, the complement: USH2A is on the minus strand). VCF-style: chr1-215934682-C-T. GRCh37 (hg19) VCF-style: chr1-216108024-C-T.
Other names: short protein forms V2412M.
Identifiers: ClinVar variation 2682392 (VCV002682392.2), dbSNP rs755361656, ClinGen allele CA1394911.

ClinVar aggregate classification (germline): Uncertain significance. Review status: criteria provided, multiple submitters, no conflicts (2 of 4 stars). 2 submissions from 2 submitters: Uncertain significance (2). Last evaluated 2023-11-01.

Allele frequency attached by ClinVar (database versions not stated): ExAC 0.00002.
gnomAD v4.1: 10 of 1,612,840 alleles (0.00062%); highest among the groups gnomAD compares: East Asian, 0.02%; no homozygotes.

Submissions (2):

Women's Health and Genetics/Laboratory Corporation of America, LabCorp
Classification: Uncertain significance. Last evaluated: 2023-11-01. Review status: criteria provided, single submitter. Criteria: LabCorp Variant Classification Summary - May 2015. Collection method: clinical testing. Allele origin: germline.
Comment: Variant summary: USH2A c.7234G>A (p.Val2412Met) results in a conservative amino acid change located in the fibronectin type III domain (IPR003961) of the encoded protein sequence. Three of five in-silico tools predict a damaging effect of the variant on protein function. The variant allele was found at a frequency of 2e-05 in 250980 control chromosomes (gnomAD). The available data on variant occurrences in the general population are insufficient to allow any conclusion about variant significance. c.7234G>A has been reported in the literature in a setting of multigene panel testing in at least one individual affected with retinitis pigmentosa (e.g. Maeda_2018, Inaba_2020). These reports do not provide unequivocal conclusions about association of the variant with Usher Syndrome. To our knowledge, no experimental evidence demonstrating an impact on protein function has been reported. The following publications have been ascertained in the context of this evaluation (PMID: 33105608, 29785639). No submitters have cited clinical-significance assessments for this variant to ClinVar after 2014. Based on the evidence outlined above, the variant was classified as uncertain significance.

Blueprint Genetics
Classification: Uncertain significance. Last evaluated: 2022-04-12. Review status: criteria provided, single submitter. Criteria: ACMG Guidelines, 2015. Collection method: clinical testing. Allele origin: germline.

Literature cited by the submitters: PubMed 33105608 (cited by Women's Health and Genetics/Laboratory Corporation of America, LabCorp); PubMed 29785639 (cited by Women's Health and Genetics/Laboratory Corporation of America, LabCorp).